The following is an entry in ClinVar:

ClinVar aggregate classification (germline): Uncertain significance (1 of 4 stars; one submission).

Allele frequency attached by ClinVar (database versions not stated): gnomAD exomes below 0.00001; ExAC 0.00001.
gnomAD v4.1: 2 of 1,614,020 alleles (0.00012%); highest among the groups gnomAD compares: Admixed American, 0.0017%; no homozygotes.

Submission:

Labcorp Genetics (formerly Invitae), Labcorp
Classification: Uncertain significance. Last evaluated: 2022-08-22. Review status: criteria provided, single submitter. Criteria: Invitae Variant Classification Sherloc (09022015). Collection method: clinical testing. Allele origin: germline.
Comment: In summary, the available evidence is currently insufficient to determine the role of this variant in disease. Therefore, it has been classified as a Variant of Uncertain Significance. Algorithms developed to predict the effect of missense changes on protein structure and function (SIFT, PolyPhen-2, Align-GVGD) all suggest that this variant is likely to be disruptive. ClinVar contains an entry for this variant (Variation ID: 960638). This variant has not been reported in the literature in individuals affected with ADGRA3-related conditions. This variant is not present in population databases (gnomAD no frequency). This sequence change replaces arginine, which is basic and polar, with cysteine, which is neutral and slightly polar, at codon 1170 of the ADGRA3 protein (p.Arg1170Cys).

NM_145290.4(ADGRA3):c.3508C>T (p.Arg1170Cys)

Gene: ADGRA3 (adhesion G protein-coupled receptor A3; minus strand). Cytogenetic location: 4p15.2.
Variant type: single nucleotide variant.
Coding change: c.3508C>T on transcript NM_145290.4 (MANE Select); coding-DNA position 3508, C replaced by T.
Protein change: p.Arg1170Cys; replaces arginine 1170 with cysteine.
Molecular consequence: missense variant.
Genome position (GRCh38, 1-based): chr4:22,388,163, G>A on the plus strand (C>T on the coding strand, the complement: ADGRA3 is on the minus strand). VCF-style: chr4-22388163-G-A. GRCh37 (hg19) VCF-style: chr4-22389786-G-A.
Other names: short protein forms R1170C.
Identifiers: ClinVar variation 960638 (VCV000960638.10), dbSNP rs758188846, ClinGen allele CA2873353.